The following is an entry in ClinVar:

NM_024312.5(GNPTAB):c.229G>A (p.Val77Ile)

Gene: GNPTAB (N-acetylglucosamine-1-phosphate transferase subunits alpha and beta; minus strand). Cytogenetic location: 12q23.2.
Variant type: single nucleotide variant.
Coding change: c.229G>A on transcript NM_024312.5 (MANE Select); coding-DNA position 229, G replaced by A.
Protein change: p.Val77Ile; replaces valine 77 with isoleucine.
Molecular consequence: missense variant.
Genome position (GRCh38, 1-based): chr12:101,790,032, C>T on the plus strand (G>A on the coding strand, the complement: GNPTAB is on the minus strand). VCF-style: chr12-101790032-C-T. GRCh37 (hg19) VCF-style: chr12-102183810-C-T.
Other names: short protein forms V77I.
Identifiers: ClinVar variation 1415035 (VCV001415035.5), dbSNP rs985184620, ClinGen allele CA242476347.

ClinVar aggregate classification (germline): Uncertain significance (1 of 4 stars; one submission).

Conditions:
Pseudo-Hurler polydystrophy. Also called: ML III; ML III ALPHA/BETA; MUCOLIPIDOSIS IIIA; Type III Mucolipidosis; ML IIIA; Mucolipidosis III Alpha/Beta. Identifiers: Orphanet 423461, Orphanet 577, MedGen C0033788, MONDO:0018931, OMIM 252600.
Mucolipidosis type II. Also called: ML II ALPHA/BETA; Mucolipidosis 2; ML 2; Inclusion cell disease; Leroy Disease; N-acetylglucosamine 1phosphotransferase deficiency. Identifiers: Orphanet 576, MedGen C2673377, MONDO:0009650, OMIM 252500.

Allele frequency attached by ClinVar (database versions not stated): gnomAD exomes below 0.00001; gnomAD 0.00001.
gnomAD v4.1: 10 of 1,614,044 alleles (0.00062%); highest among the groups gnomAD compares: African/African-American, 0.0027%; no homozygotes.

Submission:

Labcorp Genetics (formerly Invitae), Labcorp
Classification: Uncertain significance for Pseudo-Hurler polydystrophy; Mucolipidosis type II. Last evaluated: 2021-08-31. Review status: criteria provided, single submitter. Criteria: Invitae Variant Classification Sherloc (09022015). Collection method: clinical testing. Allele origin: germline.
Comment: This sequence change replaces valine with isoleucine at codon 77 of the GNPTAB protein (p.Val77Ile). The valine residue is highly conserved and there is a small physicochemical difference between valine and isoleucine. This variant is not present in population databases (ExAC no frequency). This variant has not been reported in the literature in individuals affected with GNPTAB-related conditions. Advanced modeling of protein sequence and biophysical properties (such as structural, functional, and spatial information, amino acid conservation, physicochemical variation, residue mobility, and thermodynamic stability) performed at Invitae indicates that this missense variant is not expected to disrupt GNPTAB protein function. In summary, the available evidence is currently insufficient to determine the role of this variant in disease. Therefore, it has been classified as a Variant of Uncertain Significance.